The following is an entry in ClinVar:

ClinVar aggregate classification (germline): Uncertain significance (1 of 4 stars; one submission).

Allele frequency attached by ClinVar (database versions not stated): gnomAD 0.00001; gnomAD exomes 0.00001; ExAC 0.00003; TOPMed 0.00003; ESP Exome Variant Server 0.00008.
gnomAD v4.1: 11 of 1,612,812 alleles (0.00068%); highest among the groups gnomAD compares: African/African-American, 0.0013%; no homozygotes.

Submission:

Labcorp Genetics (formerly Invitae), Labcorp
Classification: Uncertain significance. Last evaluated: 2022-11-06. Review status: criteria provided, single submitter. Criteria: Invitae Variant Classification Sherloc (09022015). Collection method: clinical testing. Allele origin: germline.
Comment: This sequence change replaces arginine, which is basic and polar, with glutamine, which is neutral and polar, at codon 1342 of the NIN protein (p.Arg1342Gln). This variant is present in population databases (rs372740881, gnomAD 0.004%). This variant has not been reported in the literature in individuals affected with NIN-related conditions. Algorithms developed to predict the effect of missense changes on protein structure and function output the following: SIFT: "Tolerated"; PolyPhen-2: "Benign"; Align-GVGD: "Class C0". The glutamine amino acid residue is found in multiple mammalian species, which suggests that this missense change does not adversely affect protein function. In summary, the available evidence is currently insufficient to determine the role of this variant in disease. Therefore, it has been classified as a Variant of Uncertain Significance.

NM_020921.4(NIN):c.4025G>A (p.Arg1342Gln)

Gene: NIN (ninein; minus strand). Cytogenetic location: 14q22.1.
Variant type: single nucleotide variant.
Coding change: c.4025G>A on transcript NM_020921.4 (MANE Select); coding-DNA position 4025, G replaced by A.
Protein change: p.Arg1342Gln; replaces arginine 1342 with glutamine.
Molecular consequence: missense variant. On other transcripts: intron variant (1).
Genome position (GRCh38, 1-based): chr14:50,757,005, C>T on the plus strand (G>A on the coding strand, the complement: NIN is on the minus strand). VCF-style: chr14-50757005-C-T. GRCh37 (hg19) VCF-style: chr14-51223723-C-T.
Other names: c.4025G>A, p.Arg1342Gln (NM_182944.3, NM_182946.2); c.2400-2138G>A (NM_016350.5); short protein forms R1342Q.
Identifiers: ClinVar variation 3012850 (VCV003012850.3), dbSNP rs372740881, ClinGen allele CA7181640.
Genomic context (GRCh38, chr14:50,757,005, plus strand): 5'-TTTCCATCAGGTTCGATTTCCAGGTTCTCTAAACTGGCTTCCCATAAGCAGCAGTCACAC[C>T]GCTGGACCACGCTTTCCTGAAGCTTCTCAATCTTGCCTTGAAGTCTCAAAACCAGAACAT-3'
Protein context (NP_065972.4, residues 1332-1352): IEKLQESVVQ[Arg1342Gln]CDCCLWEASL